The following is an entry in ClinVar:

NM_144573.4(NEXN):c.1957_1958del (p.Met653fs)

Gene: NEXN (nexilin F-actin binding protein; plus strand). Cytogenetic location: 1p31.1.
Variant type: Microsatellite.
Coding change: c.1957_1958del on transcript NM_144573.4 (MANE Select); coding-DNA positions 1957 to 1958, 2 bases deleted (AT; older notation c.1957_1958delAT).
Protein change: p.Met653fs; shifts the reading frame from methionine 653.
Molecular consequence: frameshift variant.
Genome position (GRCh38, 1-based): chr1:77,942,758-77,942,759, AT deleted; deleting any 2 consecutive bases within chr1:77,942,755-77,942,759 gives the same sequence; the c. name uses the placement nearest the transcript's 3' end. VCF-style (leftmost placement, unchanged base first): chr1-77942754-GTA-G. GRCh37 (hg19) VCF-style: chr1-78408439-GTA-G.
Other names: c.1957_1958del (NM_144573.3); c.1765_1766del, p.Met589fs (NM_001172309.2); c.1955_1956AT[1], p.Met653Valfs (NM_144573.3); short protein forms M589fs, M653fs.
Identifiers: ClinVar variation 4681040 (VCV004681040.1).

ClinVar aggregate classification (germline): Uncertain significance (1 of 4 stars; one submission).

Submission:

GeneDx
Classification: Uncertain significance. Last evaluated: 2025-07-01. Review status: criteria provided, single submitter. Criteria: GeneDx Variant Classification Process June 2021. Collection method: clinical testing. Allele origin: germline. Affected: yes.
Comment: Not observed at significant frequency in large population cohorts (gnomAD); Frameshift variant predicted to result in abnormal protein length as the last 23 amino acid(s) are replaced with 1 different amino acid(s); Has not been previously published as pathogenic or benign to our knowledge